The following is an entry in ClinVar:

ClinVar aggregate classification (germline): Uncertain significance (1 of 4 stars; one submission).

gnomAD v4.1: 2 of 1,561,502 alleles (0.00013%); highest among the groups gnomAD compares: African/African-American, 0.0014%; no homozygotes.

Submission:

GeneDx
Classification: Uncertain significance. Last evaluated: 2025-04-03. Review status: criteria provided, single submitter. Criteria: GeneDx Variant Classification Process June 2021. Collection method: clinical testing. Allele origin: germline. Affected: yes.
Comment: In silico analysis indicates that this missense variant does not alter protein structure/function; Has not been previously published as pathogenic or benign to our knowledge

NM_003074.4(SMARCC1):c.118A>C (p.Thr40Pro)

Gene: SMARCC1 (SWI/SNF related BAF chromatin remodeling complex subunit C1; minus strand). Cytogenetic location: 3p21.31.
Variant type: single nucleotide variant.
Coding change: c.118A>C on transcript NM_003074.4 (MANE Select); coding-DNA position 118, A replaced by C.
Protein change: p.Thr40Pro; replaces threonine 40 with proline.
Molecular consequence: missense variant.
Genome position (GRCh38, 1-based): chr3:47,781,680, T>G on the plus strand (A>C on the coding strand, the complement: SMARCC1 is on the minus strand). VCF-style: chr3-47781680-T-G. GRCh37 (hg19) VCF-style: chr3-47823170-T-G.
Other names: short protein forms T40P.
Identifiers: ClinVar variation 4278520 (VCV004278520.1).